The following is an entry in ClinVar:

ClinVar aggregate classification (germline): Benign (1 of 4 stars; one submission).

Allele frequency attached by ClinVar (database versions not stated): gnomAD 0.21184; TOPMed 0.21404; 1000 Genomes Project 0.25839; 1000 Genomes Project 30x 0.25937.
gnomAD v4.1: 31,644 of 152,048 alleles (21%); highest among the groups gnomAD compares: East Asian, 37%; 4,217 homozygotes.

Submission:

GeneDx
Classification: Benign. Last evaluated: 2018-06-14. Review status: criteria provided, single submitter. Criteria: GeneDx Variant Classification (06012015). Collection method: clinical testing. Allele origin: germline. Affected: yes.
Comment: This variant is considered likely benign or benign based on one or more of the following criteria: it is a conservative change, it occurs at a poorly conserved position in the protein, it is predicted to be benign by multiple in silico algorithms, and/or has population frequency not consistent with disease.

NM_182961.4(SYNE1):c.4149+167G>A

Gene: SYNE1 (spectrin repeat containing nuclear envelope protein 1; minus strand). Cytogenetic location: 6q25.2.
Variant type: single nucleotide variant.
Coding change: c.4149+167G>A on transcript NM_182961.4 (MANE Select); 167 bases into the intron after coding-DNA position 4149, G replaced by A.
Molecular consequence: intron variant.
Genome position (GRCh38, 1-based): chr6:152,440,963, C>T on the plus strand (G>A on the coding strand, the complement: SYNE1 is on the minus strand). VCF-style: chr6-152440963-C-T. GRCh37 (hg19) VCF-style: chr6-152762098-C-T.
Other names: c.4170+167G>A (NM_033071.5).
Identifiers: ClinVar variation 670615 (VCV000670615.1), dbSNP rs6915736, ClinGen allele CA15430847.